The following is an entry in ClinVar:

ClinVar aggregate classification (germline): Uncertain significance (1 of 4 stars; one submission).

Conditions:
Fanconi anemia complementation group E (FANCE). Also called: FANCE-Related Fanconi Anemia. Identifiers: Orphanet 84, MedGen C3160739, MONDO:0010953, OMIM 600901.

Allele frequency attached by ClinVar (database versions not stated): gnomAD exomes below 0.00001.
gnomAD v4.1: 7 of 1,614,186 alleles (0.00043%); highest among the groups gnomAD compares: Non-Finnish European, 0.00059%; no homozygotes.

Submission:

Labcorp Genetics (formerly Invitae), Labcorp
Classification: Uncertain significance for Fanconi anemia complementation group E. Last evaluated: 2021-08-27. Review status: criteria provided, single submitter. Criteria: Invitae Variant Classification Sherloc (09022015). Collection method: clinical testing. Allele origin: germline.
Comment: This sequence change replaces lysine with glutamic acid at codon 478 of the FANCE protein (p.Lys478Glu). The lysine residue is moderately conserved and there is a small physicochemical difference between lysine and glutamic acid. In summary, the available evidence is currently insufficient to determine the role of this variant in disease. Therefore, it has been classified as a Variant of Uncertain Significance. Algorithms developed to predict the effect of missense changes on protein structure and function output the following: SIFT: "Tolerated"; PolyPhen-2: "Benign"; Align-GVGD: "Class C0". The glutamic acid amino acid residue is found in multiple mammalian species, which suggests that this missense change does not adversely affect protein function. This variant has not been reported in the literature in individuals affected with FANCE-related conditions. This variant is not present in population databases (ExAC no frequency).

NM_021922.3(FANCE):c.1432A>G (p.Lys478Glu)

Gene: FANCE (FA complementation group E; plus strand). Cytogenetic location: 6p21.31.
Variant type: single nucleotide variant.
Coding change: c.1432A>G on transcript NM_021922.3 (MANE Select); coding-DNA position 1432, A replaced by G.
Protein change: p.Lys478Glu; replaces lysine 478 with glutamic acid.
Molecular consequence: missense variant.
Genome position (GRCh38, 1-based): chr6:35,462,837, A>G. VCF-style: chr6-35462837-A-G. GRCh37 (hg19) VCF-style: chr6-35430614-A-G.
Other names: short protein forms K478E.
Identifiers: ClinVar variation 1433152 (VCV001433152.6), dbSNP rs1242729665, ClinGen allele CA363777945.